The following is an entry in ClinVar:

NM_198252.3(GSN):c.-9-1967C>T

Gene: GSN (gelsolin; plus strand). Cytogenetic location: 9q33.2.
Variant type: single nucleotide variant.
Coding change: c.-9-1967C>T on transcript NM_198252.3 (MANE Select); 1967 bases into the intron before 9 bases upstream of the start codon, C replaced by T.
Molecular consequence: intron variant. On other transcripts: synonymous variant (1).
Genome position (GRCh38, 1-based): chr9:121,299,996, C>T. VCF-style: chr9-121299996-C-T. GRCh37 (hg19) VCF-style: chr9-124062274-C-T.
Other names: c.135C>T, p.Pro45= (NM_000177.5); c.-9-1967C>T (NM_001353054.1, NM_001353053.1, NM_001353060.2 and 5 more transcripts); c.-47-60C>T (NM_001353064.2, NM_001353066.2, NM_001353072.2 and 8 more transcripts); c.-1-1975C>T (NM_001353058.2, NM_001353059.2, NM_001353056.2 and 1 more transcripts); c.-38-69C>T (NM_001353073.2, NM_001353065.2, NM_001353068.2 and 2 more transcripts); c.100-1967C>T (NM_001127663.2); c.-32-75C>T (NM_001353070.2); c.-48-1928C>T (NM_001353055.2); and 3 more.
Identifiers: ClinVar variation 915113 (VCV000915113.45), dbSNP rs372837702, ClinGen allele CA5220666.

ClinVar aggregate classification (germline): Benign/Likely benign. Review status: criteria provided, multiple submitters, no conflicts (2 of 4 stars). 5 submissions from 5 submitters: Benign (1); Likely benign (4). Last evaluated 2026-01-25.

Conditions:
Finnish type amyloidosis. Also called: AMYLOID CRANIAL NEUROPATHY WITH LATTICE CORNEAL DYSTROPHY; AMYLOIDOSIS DUE TO MUTANT GELSOLIN; Lattice corneal dystrophy associated with familial systemic amyloidosis; Meretoja's syndrome; Lattice dystrophy of the cornea with hereditary generalized amyloidosis; Amyloidosis, familial, Finnish type. Identifiers: Orphanet 85448, MedGen C1622345, MONDO:0007097, OMIM 105120.
GSN-related disorder. Also called: GSN-related condition.

Allele frequency attached by ClinVar (database versions not stated): ESP Exome Variant Server 0.00010; gnomAD exomes 0.00013 and 0.00017; TOPMed 0.00017; ExAC 0.00019; gnomAD 0.00020.
gnomAD v4.1: 199 of 1,434,556 alleles (0.014%); highest among the groups gnomAD compares: Non-Finnish European, 0.017%; no homozygotes.

Submissions (5):

Labcorp Genetics (formerly Invitae), Labcorp
Classification: Likely benign. Last evaluated: 2026-01-25. Review status: criteria provided, single submitter. Criteria: Invitae Variant Classification Sherloc (09022015). Collection method: clinical testing. Allele origin: germline.

PreventionGenetics, part of Exact Sciences
Classification: Likely benign for GSN-related condition. Last evaluated: 2026-01-21. Review status: criteria provided, single submitter. Criteria: ACMG Guidelines, 2015. Collection method: clinical testing. Allele origin: germline.
Comment: This variant is classified as likely benign based on ACMG/AMP sequence variant interpretation guidelines (Richards et al. 2015 PMID: 25741868, with internal and published modifications).

CeGaT Center for Human Genetics Tuebingen
Classification: Likely benign. Last evaluated: 2025-08-01. Review status: criteria provided, single submitter. Criteria: CeGaT Center For Human Genetics Tuebingen Variant Classification Criteria Version 2. Collection method: clinical testing. Allele origin: germline. Affected: yes. Observed: 5 variant alleles.
Comment: GSN: BP4, BP7

Genetic Services Laboratory, University of Chicago
Classification: Likely benign. Last evaluated: 2021-06-17. Review status: criteria provided, single submitter. Criteria: ACMG Guidelines, 2015. Collection method: clinical testing. Allele origin: germline. Affected: no.

Illumina Laboratory Services, Illumina
Classification: Benign for Finnish type amyloidosis. Last evaluated: 2017-07-28. Review status: criteria provided, single submitter. Criteria: ICSL Variant Classification Criteria 13 December 2019. Collection method: clinical testing. Allele origin: germline.
Comment: This variant was observed as part of a predisposition screen in an ostensibly healthy population. A literature search was performed for the gene, cDNA change, and amino acid change (where applicable). No publications were found based on this search. Allele frequency data from public databases was too high to be consistent with this variant causing disease. Therefore, this variant is classified as benign.